The following is an entry in ClinVar:

ClinVar aggregate classification (germline): Uncertain significance (1 of 4 stars; one submission).

Submission:

Ambry Genetics
Classification: Uncertain significance. Last evaluated: 2024-05-14. Review status: criteria provided, single submitter. Criteria: Ambry Variant Classification Scheme 2023. Collection method: clinical testing. Allele origin: germline.
Comment: The p.M322R variant (also known as c.965T>G), located in coding exon 3 of the TERF2IP gene, results from a T to G substitution at nucleotide position 965. The methionine at codon 322 is replaced by arginine, an amino acid with similar properties. This amino acid position is conserved. In addition, the in silico prediction for this alteration is inconclusive. Based on the available evidence, the clinical significance of this variant remains unclear.

NM_018975.4(TERF2IP):c.965T>G (p.Met322Arg)

Gene: TERF2IP (TERF2 interacting protein; plus strand). Cytogenetic location: 16q23.1.
Variant type: single nucleotide variant.
Coding change: c.965T>G on transcript NM_018975.4 (MANE Select); coding-DNA position 965, T replaced by G.
Protein change: p.Met322Arg; replaces methionine 322 with arginine.
Molecular consequence: missense variant. On other transcripts: non-coding transcript variant (1).
Genome position (GRCh38, 1-based): chr16:75,656,376, T>G. VCF-style: chr16-75656376-T-G. GRCh37 (hg19) VCF-style: chr16-75690274-T-G.
Other names: short protein forms M322R.
Identifiers: ClinVar variation 3325459 (VCV003325459.1).
Genomic context (GRCh38, chr16:75,656,376, plus strand): 5'-AAGAAGAAAAAGTTTCTCAACCAGAGGTGGGAGCTGCCATTAAGATCATTCGGCAGTTAA[T>G]GGAGAAGTTTAACTTGGATCTATCAACAGTTACACAGGCCTTCCTAAAAAATAGTGGTGA-3'
Protein context (NP_061848.2, residues 312-332): GAAIKIIRQL[Met322Arg]EKFNLDLSTV